The following is an entry in ClinVar:

ClinVar aggregate classification (germline): Uncertain significance (1 of 4 stars; one submission).

Conditions:
Primary dilated cardiomyopathy (DCM). Also called: Dilated Cardiomyopathy. Identifiers: Orphanet 217604, MedGen C0007193, MeSH D002311, MONDO:0005021, HP:0001644. Inheritance: Various modes of inheritance.

Submission:

Labcorp Genetics (formerly Invitae), Labcorp
Classification: Uncertain significance for Primary dilated cardiomyopathy. Last evaluated: 2022-03-10. Review status: criteria provided, single submitter. Criteria: Invitae Variant Classification Sherloc (09022015). Collection method: clinical testing. Allele origin: germline.
Comment: In summary, the available evidence is currently insufficient to determine the role of this variant in disease. Therefore, it has been classified as a Variant of Uncertain Significance. Algorithms developed to predict the effect of missense changes on protein structure and function output the following: SIFT: "Tolerated"; PolyPhen-2: "Benign"; Align-GVGD: "Class C0". The asparagine amino acid residue is found in multiple mammalian species, which suggests that this missense change does not adversely affect protein function. This variant has not been reported in the literature in individuals affected with NEBL-related conditions. The frequency data for this variant in the population databases is considered unreliable, as metrics indicate poor data quality at this position in the gnomAD database. This sequence change replaces serine, which is neutral and polar, with asparagine, which is neutral and polar, at codon 539 of the NEBL protein (p.Ser539Asn).

NM_006393.3(NEBL):c.1616G>A (p.Ser539Asn)

Gene: NEBL (nebulette; minus strand). Cytogenetic location: 10p12.31.
Variant type: single nucleotide variant.
Coding change: c.1616G>A on transcript NM_006393.3 (MANE Select); coding-DNA position 1616, G replaced by A.
Protein change: p.Ser539Asn; replaces serine 539 with asparagine.
Molecular consequence: missense variant. On other transcripts: intron variant (9).
Genome position (GRCh38, 1-based): chr10:20,831,251, C>T on the plus strand (G>A on the coding strand, the complement: NEBL is on the minus strand). VCF-style: chr10-20831251-C-T. GRCh37 (hg19) VCF-style: chr10-21120180-C-T.
Other names: c.250-18311G>A (NM_001377326.1, NM_001377327.1, NM_001377328.1); c.358-18311G>A (NM_213569.2, NM_001173484.2, NM_001377322.1); c.301-18311G>A (NM_001377324.1); c.292-18311G>A (NM_001377325.1); c.310-18311G>A (NM_001377323.1); short protein forms S539N.
Identifiers: ClinVar variation 2108270 (VCV002108270.4), dbSNP rs1219196856, ClinGen allele CA376097167.